The following is an entry in ClinVar:

ClinVar aggregate classification (germline): Likely benign. Review status: criteria provided, single submitter (1 of 4 stars). 2 submissions from 2 submitters: Likely benign (1). 1 of the submissions does not count toward it. Last evaluated 2024-03-20.

Conditions:
Congenital myasthenic syndrome 4A. Also called: Myasthenic syndrome, congenital, 4a, slow-channel; MYASTHENIC SYNDROME, CONGENITAL, 4A, SLOW-CHANNEL, AUTOSOMAL RECESSIVE; CONGENITAL MYASTHENIC SYNDROME TYPE Ia1. Identifiers: Orphanet 590, MedGen C4225413, MONDO:0011600, OMIM 605809.
CHRNE-related disorder. Also called: CHRNE-related condition.

Submissions (2):

Labcorp Genetics (formerly Invitae), Labcorp
Classification: Likely benign for Congenital myasthenic syndrome 4A. Last evaluated: 2024-03-20. Review status: criteria provided, single submitter. Criteria: Invitae Variant Classification Sherloc (09022015). Collection method: clinical testing. Allele origin: germline.

PreventionGenetics, part of Exact Sciences
Classification: Likely benign for CHRNE-related condition. Last evaluated: 2021-11-23. Review status: no assertion criteria provided. Collection method: clinical testing. Allele origin: germline. Not counted in ClinVar's aggregate classification.
Comment: This variant is classified as likely benign based on ACMG/AMP sequence variant interpretation guidelines (Richards et al. 2015 PMID: 25741868, with internal and published modifications).

NM_000080.4(CHRNE):c.1033-18GCCCC[3]

Genes: CHRNE (cholinergic receptor nicotinic epsilon subunit; minus strand), LOC130060041 (ATAC-STARR-seq lymphoblastoid silent region 8050; plus strand). Cytogenetic location: 17p13.2.
Variant type: Microsatellite.
Coding change: c.1033-18GCCCC[3] on transcript NM_000080.4 (MANE Select); three copies in a row of the 5-base unit GCCCC starting at c.1033-18; the reference has two copies in a row; one copy, 5 bases duplicated.
Molecular consequence: intron variant.
Genome position (GRCh38, 1-based): chr17:4,899,393-4,899,397, GGGGC duplicated on the plus strand (GCCCC on the coding strand, the reverse complement: CHRNE is on the minus strand); duplicating any 5 consecutive bases within chr17:4,899,393-4,899,402 gives the same sequence; the position shown is the placement nearest the transcript's 3' end. VCF-style (leftmost placement, unchanged base first): chr17-4899392-A-AGGGGC. GRCh37 (hg19) VCF-style: chr17-4802687-A-AGGGGC.
Other names: c.1033-13_1033-9dup5 (NM_000080.3).
Identifiers: ClinVar variation 1134031 (VCV001134031.11), dbSNP rs1555546374, ClinGen allele CA8314048.
Genomic context (GRCh38, chr17:4,899,392, plus strand): 5'-GCCTCGGGCGGCGGCGGGGAGCCCAGGAGGCGCGGCAGCAGCTCCAGGAGAACCTGGGGC[A>AGGGGC]GGGGCGGGGCTTAGGGGACGAGGTTAGTACGAAGCCCCACCCCGACCCGGGCTGCACCGC-3'